The following is an entry in ClinVar:

NM_019888.3(MC3R):c.874T>A (p.Ser292Thr)

Gene: MC3R (melanocortin 3 receptor; plus strand). Cytogenetic location: 20q13.2.
Variant type: single nucleotide variant.
Coding change: c.874T>A on transcript NM_019888.3 (MANE Select); coding-DNA position 874, T replaced by A.
Protein change: p.Ser292Thr; replaces serine 292 with threonine.
Molecular consequence: missense variant.
Genome position (GRCh38, 1-based): chr20:56,249,717, T>A. VCF-style: chr20-56249717-T-A. GRCh37 (hg19) VCF-style: chr20-54824773-T-A.
Other names: short protein forms S292T.
Identifiers: ClinVar variation 2313623 (VCV002313623.3), dbSNP rs750492023, ClinGen allele CA316729619.

ClinVar aggregate classification (germline): Uncertain significance. Review status: criteria provided, multiple submitters, no conflicts (2 of 4 stars). 2 submissions from 2 submitters: Uncertain significance (2). Last evaluated 2025-07-29.

Conditions:
MC3R-related disorder. Also called: MC3R-related condition.

Allele frequency attached by ClinVar (database versions not stated): gnomAD 0.00001; gnomAD exomes 0.00001; TOPMed 0.00001.
gnomAD v4.1: 13 of 1,613,910 alleles (0.00081%); highest among the groups gnomAD compares: Non-Finnish European, 0.00051%; no homozygotes.

Submissions (2):

PreventionGenetics, part of Exact Sciences
Classification: Uncertain significance for MC3R-related condition. Last evaluated: 2025-07-29. Review status: criteria provided, single submitter. Criteria: ACMG Guidelines, 2015. Collection method: clinical testing. Allele origin: germline.
Comment: The MC3R c.874T>A variant is predicted to result in the amino acid substitution p.Ser292Thr. To our knowledge, this variant has not been reported in the literature. This variant is reported in 0.030% of alleles in individuals of Ashkenazi Jewish descent in gnomAD. At this time, the clinical significance of this variant is uncertain due to the absence of conclusive functional and genetic evidence.

Ambry Genetics
Classification: Uncertain significance. Last evaluated: 2022-09-27. Review status: criteria provided, single submitter. Criteria: Ambry Variant Classification Scheme 2023. Collection method: clinical testing. Allele origin: germline.